The following is an entry in ClinVar:

ClinVar aggregate classification (germline): Uncertain significance (1 of 4 stars; one submission).

gnomAD v4.1: 21 of 1,338,016 alleles (0.0016%); highest among the groups gnomAD compares: Non-Finnish European, 0.0021%; no homozygotes.

Submission:

Labcorp Genetics (formerly Invitae), Labcorp
Classification: Uncertain significance. Last evaluated: 2024-05-07. Review status: criteria provided, single submitter. Criteria: Invitae Variant Classification Sherloc (09022015). Collection method: clinical testing. Allele origin: germline.
Comment: This sequence change replaces arginine, which is basic and polar, with histidine, which is basic and polar, at codon 1235 of the ERCC6L2 protein (p.Arg1235His). The frequency data for this variant in the population databases is considered unreliable, as metrics indicate poor data quality at this position in the gnomAD database. This variant has not been reported in the literature in individuals affected with ERCC6L2-related conditions. Experimental studies and prediction algorithms are not available or were not evaluated, and the functional significance of this variant is currently unknown. In summary, the available evidence is currently insufficient to determine the role of this variant in disease. Therefore, it has been classified as a Variant of Uncertain Significance.

NM_020207.7(ERCC6L2):c.3671G>A (p.Arg1224His)

Gene: ERCC6L2 (ERCC excision repair 6 like 2; plus strand). Cytogenetic location: 9q22.32.
Variant type: single nucleotide variant.
Coding change: c.3671G>A on transcript NM_020207.7 (MANE Select); coding-DNA position 3671, G replaced by A.
Protein change: p.Arg1224His; replaces arginine 1224 with histidine.
Molecular consequence: missense variant. On other transcripts: non-coding transcript variant (1).
Genome position (GRCh38, 1-based): chr9:96,004,698, G>A. VCF-style: chr9-96004698-G-A. GRCh37 (hg19) VCF-style: chr9-98766980-G-A.
Other names: c.3671G>A, p.Arg1224His (NM_001375291.1, NM_001375292.1); short protein forms R1224H.
Identifiers: ClinVar variation 3694371 (VCV003694371.2).